The following is an entry in ClinVar:

NM_000426.4(LAMA2):c.8244+3_8244+6del

Gene: LAMA2 (laminin subunit alpha 2; plus strand). Cytogenetic location: 6q22.33.
Variant type: Deletion.
Coding change: c.8244+3_8244+6del on transcript NM_000426.4 (MANE Select); bases 3 to 6 of the intron after coding-DNA position 8244, 4 bases deleted (AAGT; older notation c.8244+3_8244+6delAAGT).
Molecular consequence: splice donor variant.
Genome position (GRCh38, 1-based): chr6:129,492,486-129,492,489, AAGT deleted; deleting any 4 consecutive bases within chr6:129,492,484-129,492,489 gives the same sequence; the c. name uses the placement nearest the transcript's 3' end. VCF-style (leftmost placement, unchanged base first): chr6-129492483-TGTAA-T. GRCh37 (hg19) VCF-style: chr6-129813628-TGTAA-T.
Other names: c.8244+3_8244+6delAAGT (NM_000426.3); c.8232+3_8232+6del (NM_001079823.2).
Identifiers: ClinVar variation 447695 (VCV000447695.23), dbSNP rs746678525, ClinGen allele CA3994770.

ClinVar aggregate classification (germline): Pathogenic/Likely pathogenic. Review status: criteria provided, multiple submitters, no conflicts (2 of 4 stars). 9 submissions from 9 submitters: Pathogenic (5); Likely pathogenic (4). Last evaluated 2026-01-14.

Conditions:
LAMA2-related muscular dystrophy (LAMA2-RD). Also called: Laminin alpha 2-related dystrophy. Identifiers: MedGen C5679788, MONDO:0100228.
Merosin deficient congenital muscular dystrophy (MDC1A). Also called: Congenital Muscular Dystrophy Type 1A (MDC1A); Congenital merosin-deficient muscular dystrophy 1A. Identifiers: Orphanet 258, MedGen C1263858, MONDO:0011925, OMIM 607855.

Submissions (9):

Labcorp Genetics (formerly Invitae), Labcorp
Classification: Pathogenic for LAMA2-related muscular dystrophy. Last evaluated: 2026-01-14. Review status: criteria provided, single submitter. Criteria: Invitae Variant Classification Sherloc (09022015). Collection method: clinical testing. Allele origin: germline.
Comment: This sequence change falls in intron 58 of the LAMA2 gene. It does not directly change the encoded amino acid sequence of the LAMA2 protein. It affects a nucleotide within the consensus splice site. The frequency data for this variant in the population databases is considered unreliable, as metrics indicate poor data quality at this position in the gnomAD database. This variant has been observed in individual(s) with congenital muscular dystrophy (PMID: 24611677; internal data). In at least one individual the data is consistent with being in trans (on the opposite chromosome) from a pathogenic variant. ClinVar contains an entry for this variant (Variation ID: 447695). Variants that disrupt the consensus splice site are a relatively common cause of aberrant splicing (PMID: 17576681, 9536098). Algorithms developed to predict the effect of sequence changes on RNA splicing suggest that this variant may disrupt the consensus splice site. For these reasons, this variant has been classified as Pathogenic.

Athena Diagnostics
Classification: Likely pathogenic. Last evaluated: 2024-08-21. Review status: criteria provided, single submitter. Criteria: Athena Diagnostics Criteria. Collection method: clinical testing. Allele origin: unknown.
Comment: The frequency of this variant in the general population is consistent with pathogenicity. In multiple individuals with congenital muscular dystrophy, this variant has been seen with a single recessive pathogenic variant in the same gene. Computational tools yielded predictions that this variant may interfere with normal RNA splicing.

GeneDx
Classification: Pathogenic. Last evaluated: 2024-04-26. Review status: criteria provided, single submitter. Criteria: GeneDx Variant Classification Process June 2021. Collection method: clinical testing. Allele origin: germline. Affected: yes.
Comment: Non-canonical splice site variant demonstrated to result in loss of function (PMID: 37038535); In silico analysis supports a deleterious effect on splicing; Not observed at significant frequency in large population cohorts (gnomAD); This variant is associated with the following publications: (PMID: 30293248, 37038535, 24611677, 34602496, 31066047, 30055037, 34281576)

Baylor Genetics
Classification: Pathogenic for Merosin deficient congenital muscular dystrophy. Last evaluated: 2024-03-19. Review status: criteria provided, single submitter. Criteria: ACMG Guidelines, 2015. Collection method: clinical testing. Allele origin: unknown.

Mayo Clinic Laboratories, Mayo Clinic
Classification: Pathogenic. Last evaluated: 2024-01-31. Review status: criteria provided, single submitter. Criteria: ACMG Guidelines, 2015. Collection method: clinical testing. Allele origin: germline. Observed: 1 variant allele.
Comment: PP3, PM2, PM3_strong, PS3, PS4_moderate

Women's Health and Genetics/Laboratory Corporation of America, LabCorp
Classification: Likely pathogenic for LAMA2-related muscular dystrophy. Last evaluated: 2023-09-01. Review status: criteria provided, single submitter. Criteria: LabCorp Variant Classification Summary - May 2015. Collection method: clinical testing. Allele origin: germline.
Comment: Variant summary: LAMA2 c.8244+3_8244+6delAAGT alters a conserved nucleotide located close to a canonical splice site and therefore could affect mRNA splicing, leading to a significantly altered protein sequence. Several computational tools predict a significant impact on normal splicing: Four predict the variant abolishes a 5' splicing donor site. However, these predictions have yet to be confirmed by functional studies. The variant allele was found at a frequency of 1.6e-05 in 250188 control chromosomes. c.8244+3_8244+6delAAGT has been reported in the literature in individuals affected with Laminin Alpha 2-Related Dystrophy (Oliveira_2018, Nair_2018, Xiong_2015). These data indicate that the variant is likely to be associated with disease. To our knowledge, no experimental evidence demonstrating an impact on protein function has been reported. The following publications have been ascertained in the context of this evaluation (PMID: 30293248, 30055037, 24611677). Four submitters have cited clinical-significance assessments for this variant to ClinVar after 2014 and classified as VUs (n=1) and pathogenic/likely pathogenic (n=3). Based on the evidence outlined above, the variant was classified as likely pathogenic.

Revvity Omics, Revvity
Classification: Likely pathogenic. Last evaluated: 2022-05-19. Review status: criteria provided, single submitter. Criteria: ACMG Guidelines, 2015. Collection method: clinical testing. Allele origin: germline.

Victorian Clinical Genetics Services, Murdoch Childrens Research Institute
Classification: Likely pathogenic for LAMA2-related muscular dystrophy. Last evaluated: 2021-05-06. Review status: criteria provided, single submitter. Criteria: ACMG Guidelines, 2015. Collection method: clinical testing. Allele origin: germline. Inheritance: Autosomal recessive inheritance.
Comment: Based on the classification scheme VCGS_Germline_v1.3.4, this variant is classified as Likely pathogenic. Following criteria are met: 0102 - Loss of function is a known mechanism of disease in this gene and is associated with merosin deficient or partially deficient congenital muscular dystrophy (MIM#607855) and autosomal recessive limb-girdle muscular dystrophy 23 (MIM#618138). (I) 0106 - This gene is associated with autosomal recessive disease. (I) 0212 - Non-canonical splice site variant without proven consequence on splicing (no functional evidence available). (SP) 0252 - This variant is homozygous. (I) 0304 - Variant is present in gnomAD (v2) <0.01 for a recessive condition (4 heterozygotes, 0 homozygotes). (SP) 0505 - Abnormal splicing is predicted by in silico tools and three of the affected nucleotides are highly conserved. (SP) 0708 - Another variant comparable to the one identified in this case has conflicting previous evidence for pathogenicity. A comparable variant, c.8244+2dup which is also predicted to affect c.8244+3 and the nucleotides downstream has been reported as homozygous and likely pathogenic in a patient with congenital muscular dystrophy (CMD) type 1A (PMID: 30055037). However it has also been reported as a variant of uncertain significance in ClinVar. (I) 0802 - This variant has moderate previous evidence of pathogenicity in unrelated individuals. This variant has been reported in 3 patients with CMD (PMIDs: 24611677, 30293248, 30055037). It has also been reported as a variant of uncertain significance in ClinVar without sufficient supporting information. (SP) 0905 - No published segregation evidence has been identified for this variant. (I) 1001 - This variant has strong functional evidence supporting abnormal protein function. Immunohistochemistry study showing laminin-a2 deficiency has been reported in a CMD patient who had 2 LAMA2 variants including this variant, the phasing of those variants were undetermined but were likely in trans (PMID: 30055037). (SP) 1209 - This variant has been shown to be both maternally and paternally inherited (biallelic) (Invitae). (I) Legend: (SP) - Supporting pathogenic, (I) - Information, (SB) - Supporting benign

Greenwood Genetic Center Diagnostic Laboratories, Greenwood Genetic Center
Classification: Pathogenic for Merosin deficient congenital muscular dystrophy. Review status: criteria provided, single submitter. Criteria: ACMG Guidelines, 2015. Collection method: clinical testing. Allele origin: maternal. Affected: yes. Observed: 1 compound heterozygote.
Comment: In-house RNA studies showed skipping of exon 58; (PS3, PM3_strong, PM2, PP3)

Literature cited by the submitters: PubMed 24611677 (cited by 5 submitters); PubMed 17576681 (cited by Labcorp Genetics (formerly Invitae), Labcorp); PubMed 9536098 (cited by Labcorp Genetics (formerly Invitae), Labcorp); PubMed 38962616 (cited by Athena Diagnostics); PubMed 30293248 (cited by 4 submitters); PubMed 30055037 (cited by 4 submitters); PubMed 34602496 (cited by Athena Diagnostics and Mayo Clinic Laboratories, Mayo Clinic); PubMed 37038535 (cited by Mayo Clinic Laboratories, Mayo Clinic).